The following is an entry in ClinVar:

NM_016938.5(EFEMP2):c.265A>G (p.Asn89Asp)

Gene: EFEMP2 (EGF containing fibulin extracellular matrix protein 2; minus strand). Cytogenetic location: 11q13.1.
Variant type: single nucleotide variant.
Coding change: c.265A>G on transcript NM_016938.5 (MANE Select); coding-DNA position 265, A replaced by G.
Protein change: p.Asn89Asp; replaces asparagine 89 with aspartic acid.
Molecular consequence: missense variant. On other transcripts: non-coding transcript variant (1).
Genome position (GRCh38, 1-based): chr11:65,871,259, T>C on the plus strand (A>G on the coding strand, the complement: EFEMP2 is on the minus strand). VCF-style: chr11-65871259-T-C. GRCh37 (hg19) VCF-style: chr11-65638730-T-C.
Other names: short protein forms N89D.
Identifiers: ClinVar variation 3506972 (VCV003506972.1).

ClinVar aggregate classification (germline): Uncertain significance (1 of 4 stars; one submission).

Conditions:
Cardiovascular phenotype. Identifiers: MedGen CN230736.

Submission:

Ambry Genetics
Classification: Uncertain significance for Cardiovascular phenotype. Last evaluated: 2024-10-21. Review status: criteria provided, single submitter. Criteria: Ambry Variant Classification Scheme 2023. Collection method: clinical testing. Allele origin: germline.
Comment: The p.N89D variant (also known as c.265A>G), located in coding exon 3 of the EFEMP2 gene, results from an A to G substitution at nucleotide position 265. The asparagine at codon 89 is replaced by aspartic acid, an amino acid with highly similar properties. This amino acid position is conserved. In addition, this alteration is predicted to be tolerated by in silico analysis. Based on the available evidence, the clinical significance of this variant remains unclear.